The following is an entry in ClinVar:

NM_001171613.2(PREPL):c.1433C>T (p.Ala478Val)

Gene: PREPL (prolyl endopeptidase like; minus strand). Cytogenetic location: 2p21.
Variant type: single nucleotide variant.
Coding change: c.1433C>T on transcript NM_001171613.2 (MANE Select); coding-DNA position 1433, C replaced by T.
Protein change: p.Ala478Val; replaces alanine 478 with valine.
Molecular consequence: missense variant.
Genome position (GRCh38, 1-based): chr2:44,326,758, G>A on the plus strand (C>T on the coding strand, the complement: PREPL is on the minus strand). VCF-style: chr2-44326758-G-A. GRCh37 (hg19) VCF-style: chr2-44553897-G-A.
Other names: c.1514C>T, p.Ala505Val (NM_001042385.2); c.1502C>T, p.Ala501Val (NM_001042386.2); c.1700C>T, p.Ala567Val (NM_001171603.1, NM_001171606.2, NM_001374275.1 and 2 more transcripts); c.1433C>T, p.Ala478Val (NM_001171617.1, NM_001374277.1); short protein forms A501V, A478V, A505V, A567V.
Identifiers: ClinVar variation 1035314 (VCV001035314.8), dbSNP rs1202291365, ClinGen allele CA346689470.
Genomic context (GRCh38, chr2:44,326,758, plus strand): 5'-CAGAGCGTACTCACCTCCAAAGTCACCGCTCTCACCAGCTCTGGATTAGAATTACACAAT[G>A]CTCCTGCAAGCACCCCTCCAGCACTGAAAGCAGTCAGGGTTGTTAGACTTGGCTGAGAAA-3'
Protein context (NP_001165084.1, residues 468-488): AFSAGGVLAG[Ala478Val]LCNSNPELVR

ClinVar aggregate classification (germline): Uncertain significance (1 of 4 stars; one submission).

Conditions:
Myasthenic syndrome, congenital, 22 (CMS22). Also called: PREPL DEFICIENCY. Identifiers: MedGen C4479088, MONDO:0044299, OMIM 616224.

Allele frequency attached by ClinVar (database versions not stated): gnomAD exomes below 0.00001 and 0.00002.
gnomAD v4.1: 13 of 1,614,096 alleles (0.00081%); highest among the groups gnomAD compares: Non-Finnish European, 0.0011%; no homozygotes.

Submission:

Labcorp Genetics (formerly Invitae), Labcorp
Classification: Uncertain significance for Myasthenic syndrome, congenital, 22. Last evaluated: 2022-06-20. Review status: criteria provided, single submitter. Criteria: Invitae Variant Classification Sherloc (09022015). Collection method: clinical testing. Allele origin: germline.
Comment: This sequence change replaces alanine, which is neutral and non-polar, with valine, which is neutral and non-polar, at codon 567 of the PREPL protein (p.Ala567Val). This variant is present in population databases (no rsID available, gnomAD 0.0009%). This variant has not been reported in the literature in individuals affected with PREPL-related conditions. ClinVar contains an entry for this variant (Variation ID: 1035314). Algorithms developed to predict the effect of missense changes on protein structure and function are either unavailable or do not agree on the potential impact of this missense change (SIFT: "Deleterious"; PolyPhen-2: "Probably Damaging"; Align-GVGD: "Class C0"). In summary, the available evidence is currently insufficient to determine the role of this variant in disease. Therefore, it has been classified as a Variant of Uncertain Significance.